The following is an entry in ClinVar:

NM_001363711.2(DUOX2):c.1636G>A (p.Ala546Thr)

Gene: DUOX2 (dual oxidase 2; minus strand). Cytogenetic location: 15q21.1.
Variant type: single nucleotide variant.
Coding change: c.1636G>A on transcript NM_001363711.2 (MANE Select); coding-DNA position 1636, G replaced by A.
Protein change: p.Ala546Thr; replaces alanine 546 with threonine.
Molecular consequence: missense variant.
Genome position (GRCh38, 1-based): chr15:45,107,402, C>T on the plus strand (G>A on the coding strand, the complement: DUOX2 is on the minus strand). VCF-style: chr15-45107402-C-T. GRCh37 (hg19) VCF-style: chr15-45399600-C-T.
Other names: c.1636G>A, p.Ala546Thr (NM_014080.5); short protein forms A546T.
Identifiers: ClinVar variation 1356187 (VCV001356187.5), dbSNP rs764655103, ClinGen allele CA7538538.
Genomic context (GRCh38, chr15:45,107,402, plus strand): 5'-CACCTTTATGCCAGACAAAGACATTGGGCTGCAGGGCACTGGGGTCAATGTTGATAACAG[C>T]GACCAGCACGTCCCGCAGGGTGGTATTTCGGATGTCTTCAATCTCCTTCTTGGAGAACAG-3'
Protein context (NP_001350640.1, residues 536-556): RNTTLRDVLV[Ala546Thr]VINIDPSALQ

ClinVar aggregate classification (germline): Uncertain significance (1 of 4 stars; one submission).

Allele frequency attached by ClinVar (database versions not stated): ExAC 0.00001; gnomAD 0.00001.
gnomAD v4.1: 13 of 1,614,118 alleles (0.00081%); highest among the groups gnomAD compares: Middle Eastern, 0.016%; no homozygotes.

Submission:

Labcorp Genetics (formerly Invitae), Labcorp
Classification: Uncertain significance. Last evaluated: 2025-12-09. Review status: criteria provided, single submitter. Criteria: Invitae Variant Classification Sherloc (09022015). Collection method: clinical testing. Allele origin: germline.
Comment: This sequence change replaces alanine, which is neutral and non-polar, with threonine, which is neutral and polar, at codon 546 of the DUOX2 protein (p.Ala546Thr). This variant is present in population databases (rs764655103, gnomAD 0.0009%). This variant has not been reported in the literature in individuals affected with DUOX2-related conditions. ClinVar contains an entry for this variant (Variation ID: 1356187). Invitae Evidence Modeling of protein sequence and biophysical properties (such as structural, functional, and spatial information, amino acid conservation, physicochemical variation, residue mobility, and thermodynamic stability) indicates that this missense variant is not expected to disrupt DUOX2 protein function with a negative predictive value of 80%. In summary, the available evidence is currently insufficient to determine the role of this variant in disease. Therefore, it has been classified as a Variant of Uncertain Significance.